The following is an entry in ClinVar:

NM_025114.4(CEP290):c.835G>T (p.Asp279Tyr)

Gene: CEP290 (centrosomal protein 290; minus strand). Cytogenetic location: 12q21.32.
Variant type: single nucleotide variant.
Coding change: c.835G>T on transcript NM_025114.4 (MANE Select); coding-DNA position 835, G replaced by T.
Protein change: p.Asp279Tyr; replaces aspartic acid 279 with tyrosine.
Molecular consequence: missense variant.
Genome position (GRCh38, 1-based): chr12:88,129,711, C>A on the plus strand (G>T on the coding strand, the complement: CEP290 is on the minus strand). VCF-style: chr12-88129711-C-A. GRCh37 (hg19) VCF-style: chr12-88523488-C-A.
Other names: c.835G>T (NM_025114.3); short protein forms D279Y.
Identifiers: ClinVar variation 991683 (VCV000991683.11), dbSNP rs796540607, ClinGen allele CA241157392.

ClinVar aggregate classification (germline): Uncertain significance. Review status: criteria provided, multiple submitters, no conflicts (2 of 4 stars). 4 submissions from 4 submitters: Uncertain significance (2). 2 of the submissions do not count toward it. Last evaluated 2025-05-17.

Conditions:
Inborn genetic diseases. Identifiers: MedGen C0950123, MeSH D030342.
Meckel-Gruber syndrome. Also called: Dysencephalia splachnocystica; DYSENCEPHALIA SPLANCHNOCYSTICA; GRUBER SYNDROME. Identifiers: Orphanet 564, MedGen C0265215, MONDO:0018921.
Nephronophthisis. Also called: Juvenile Nephronophthisis. Identifiers: Orphanet 655, MedGen C0687120, MONDO:0019005, HP:0000090.
Joubert syndrome. Also called: Familial aplasia of the vermis; CEREBELLOPARENCHYMAL DISORDER IV; JOUBERT-BOLTSHAUSER SYNDROME. Identifiers: Orphanet 475, MedGen C5979921, MONDO:0018772.
CEP290-related disorder. Also called: CEP290-related condition; CEP290-related disorders. Identifiers: MedGen CN239314.
Leber congenital amaurosis (LCA). Also called: Leber's amaurosis. Identifiers: Orphanet 65, MedGen C0339527, MeSH D057130, MONDO:0018998.

gnomAD v4.1: 7 of 1,437,200 alleles (0.00049%); highest among the groups gnomAD compares: African/African-American, 0.0015%; no homozygotes.

Submissions (4):

Ambry Genetics
Classification: Uncertain significance for Inborn genetic diseases. Last evaluated: 2025-05-17. Review status: criteria provided, single submitter. Criteria: Ambry Variant Classification Scheme 2023. Collection method: clinical testing. Allele origin: germline.

Labcorp Genetics (formerly Invitae), Labcorp
Classification: Uncertain significance for Joubert syndrome; Meckel-Gruber syndrome; Nephronophthisis. Last evaluated: 2022-06-27. Review status: criteria provided, single submitter. Criteria: Invitae Variant Classification Sherloc (09022015). Collection method: clinical testing. Allele origin: germline.
Comment: In summary, the available evidence is currently insufficient to determine the role of this variant in disease. Therefore, it has been classified as a Variant of Uncertain Significance. Algorithms developed to predict the effect of missense changes on protein structure and function are either unavailable or do not agree on the potential impact of this missense change (SIFT: "Deleterious"; PolyPhen-2: "Possibly Damaging"; Align-GVGD: "Class C0"). ClinVar contains an entry for this variant (Variation ID: 991683). This variant has not been reported in the literature in individuals affected with CEP290-related conditions. This variant is not present in population databases (gnomAD no frequency). This sequence change replaces aspartic acid, which is acidic and polar, with tyrosine, which is neutral and polar, at codon 279 of the CEP290 protein (p.Asp279Tyr).

PreventionGenetics, part of Exact Sciences
Classification: Uncertain significance for CEP290-related condition. Last evaluated: 2024-06-21. Review status: no assertion criteria provided. Collection method: clinical testing. Allele origin: germline. Not counted in ClinVar's aggregate classification.
Comment: The CEP290 c.835G>T variant is predicted to result in the amino acid substitution p.Asp279Tyr. To our knowledge, this variant has not been reported in the literature or in a large population database, indicating this variant is rare. At this time, the clinical significance of this variant is uncertain due to the absence of conclusive functional and genetic evidence.

Natera, Inc.
Classification: Uncertain significance for Leber congenital amaurosis. Last evaluated: 2020-08-13. Review status: no assertion criteria provided. Collection method: clinical testing. Allele origin: germline. Not counted in ClinVar's aggregate classification.